The following is an entry in ClinVar:

NM_025132.4(WDR19):c.3521G>A (p.Arg1174His)

Gene: WDR19 (WD repeat domain 19; plus strand). Cytogenetic location: 4p14.
Variant type: single nucleotide variant.
Coding change: c.3521G>A on transcript NM_025132.4 (MANE Select); coding-DNA position 3521, G replaced by A.
Protein change: p.Arg1174His; replaces arginine 1174 with histidine.
Molecular consequence: missense variant.
Genome position (GRCh38, 1-based): chr4:39,273,017, G>A. VCF-style: chr4-39273017-G-A. GRCh37 (hg19) VCF-style: chr4-39274637-G-A.
Other names: c.3041G>A, p.Arg1014His (NM_001317924.2); c.3521G>A (NM_025132.3); short protein forms R1014H, R1174H.
Identifiers: ClinVar variation 1008660 (VCV001008660.10), dbSNP rs372719724, ClinGen allele CA2892408.

ClinVar aggregate classification (germline): Uncertain significance. Review status: criteria provided, multiple submitters, no conflicts (2 of 4 stars). 5 submissions from 5 submitters: Uncertain significance (4). 1 of the submissions does not count toward it. Last evaluated 2025-04-03.

Conditions:
WDR19-related disorder. Also called: WDR19-related disorders; WDR19-related condition. Identifiers: MedGen CN380161.
Senior-Loken syndrome 8 (SLSN8). Identifiers: Orphanet 3156, MedGen C4225376, MONDO:0014579, OMIM 616307.
Asphyxiating thoracic dystrophy 5 (SRTD5). Also called: SHORT-RIB THORACIC DYSPLASIA 5 WITH OR WITHOUT POLYDACTYLY; SHORT-RIB THORACIC DYSPLASIA 5 WITHOUT POLYDACTYLY. Identifiers: Orphanet 474, MedGen C3280598, MONDO:0013717, OMIM 614376.
Nephronophthisis 13 (NPHP13). Identifiers: Orphanet 655, MedGen C3280612, MONDO:0013718, OMIM 614377.
Cranioectodermal dysplasia 4 (CED4). Identifiers: Orphanet 1515, MedGen C3280616, MONDO:0013719, OMIM 614378.
Spermatogenic failure 72 (SPGF72). Identifiers: MedGen C5676980, MONDO:0030809, OMIM 619867.
Inborn genetic diseases. Identifiers: MedGen C0950123, MeSH D030342.

Allele frequency attached by ClinVar (database versions not stated): gnomAD exomes 0.00005; 1000 Genomes Project 30x 0.00016; 1000 Genomes Project 0.00020.
gnomAD v4.1: 116 of 1,605,004 alleles (0.0072%); highest among the groups gnomAD compares: South Asian, 0.016%; no homozygotes.

Submissions (5):

Ambry Genetics
Classification: Uncertain significance for Inborn genetic diseases. Last evaluated: 2025-04-03. Review status: criteria provided, single submitter. Criteria: Ambry Variant Classification Scheme 2023. Collection method: clinical testing. Allele origin: germline.

Blueprint Genetics
Classification: Uncertain significance. Last evaluated: 2024-09-18. Review status: criteria provided, single submitter. Criteria: ACMG Guidelines, 2015. Collection method: clinical testing. Allele origin: germline.

Labcorp Genetics (formerly Invitae), Labcorp
Classification: Uncertain significance for Senior-Loken syndrome 8; Asphyxiating thoracic dystrophy 5. Last evaluated: 2024-03-11. Review status: criteria provided, single submitter. Criteria: Invitae Variant Classification Sherloc (09022015). Collection method: clinical testing. Allele origin: germline.
Comment: This sequence change replaces arginine, which is basic and polar, with histidine, which is basic and polar, at codon 1174 of the WDR19 protein (p.Arg1174His). The frequency data for this variant in the population databases is considered unreliable, as metrics indicate poor data quality at this position in the gnomAD database. This variant has not been reported in the literature in individuals affected with WDR19-related conditions. ClinVar contains an entry for this variant (Variation ID: 1008660). Advanced modeling of protein sequence and biophysical properties (such as structural, functional, and spatial information, amino acid conservation, physicochemical variation, residue mobility, and thermodynamic stability) performed at Invitae indicates that this missense variant is not expected to disrupt WDR19 protein function with a negative predictive value of 80%. In summary, the available evidence is currently insufficient to determine the role of this variant in disease. Therefore, it has been classified as a Variant of Uncertain Significance.

Department of Pathology and Laboratory Medicine, Sinai Health System
Classification: Uncertain significance for Asphyxiating thoracic dystrophy 5; Nephronophthisis 13; Cranioectodermal dysplasia 4; Senior-Loken syndrome 8; Spermatogenic failure 72. Last evaluated: 2023-02-28. Review status: criteria provided, single submitter. Criteria: ACMG Guidelines, 2015. Collection method: research. Allele origin: germline.

PreventionGenetics, part of Exact Sciences
Classification: Uncertain significance for WDR19-related condition. Last evaluated: 2024-04-15. Review status: no assertion criteria provided. Collection method: clinical testing. Allele origin: germline. Not counted in ClinVar's aggregate classification.
Comment: The WDR19 c.3521G>A variant is predicted to result in the amino acid substitution p.Arg1174His. To our knowledge, this variant has not been reported in the literature. This variant is reported in 0.014% of alleles in individuals of South Asian descent in gnomAD. At this time, the clinical significance of this variant is uncertain due to the absence of conclusive functional and genetic evidence.